The following is an entry in ClinVar:

ClinVar aggregate classification (germline): Uncertain significance (1 of 4 stars; one submission).

Submission:

GeneDx
Classification: Uncertain significance. Last evaluated: 2023-04-11. Review status: criteria provided, single submitter. Criteria: GeneDx Variant Classification Process June 2021. Collection method: clinical testing. Allele origin: germline. Affected: yes.
Comment: Not observed at significant frequency in large population cohorts (gnomAD); In silico analysis supports that this missense variant does not alter protein structure/function; Has not been previously published as pathogenic or benign to our knowledge

NM_001080517.3(SETD5):c.3754C>A (p.Gln1252Lys)

Gene: SETD5 (SET domain containing 5; plus strand). Cytogenetic location: 3p25.3.
Variant type: single nucleotide variant.
Coding change: c.3754C>A on transcript NM_001080517.3 (MANE Select); coding-DNA position 3754, C replaced by A.
Protein change: p.Gln1252Lys; replaces glutamine 1252 with lysine.
Molecular consequence: missense variant.
Genome position (GRCh38, 1-based): chr3:9,475,516, C>A. VCF-style: chr3-9475516-C-A. GRCh37 (hg19) VCF-style: chr3-9517200-C-A.
Other names: c.3460C>A, p.Gln1154Lys (NM_001292043.2, NM_001349451.2); short protein forms Q1154K, Q1252K.
Identifiers: ClinVar variation 2662790 (VCV002662790.1), dbSNP rs2473977584, ClinGen allele CA351690769.